The following is an entry in ClinVar:

ClinVar aggregate classification (germline): Uncertain significance (1 of 4 stars; one submission).

Submission:

Labcorp Genetics (formerly Invitae), Labcorp
Classification: Uncertain significance. Last evaluated: 2025-09-29. Review status: criteria provided, single submitter. Criteria: Invitae Variant Classification Sherloc (09022015). Collection method: clinical testing. Allele origin: germline.
Comment: This sequence change replaces glycine, which is neutral and non-polar, with alanine, which is neutral and non-polar, at codon 451 of the COL11A1 protein (p.Gly451Ala). This variant is not present in population databases (gnomAD no frequency). This variant has not been reported in the literature in individuals affected with COL11A1-related conditions. An algorithm developed to predict the effect of missense changes on protein structure and function (PolyPhen-2) suggests that this variant is likely to be disruptive. In summary, the available evidence is currently insufficient to determine the role of this variant in disease. Therefore, it has been classified as a Variant of Uncertain Significance.

NM_001854.4(COL11A1):c.1352G>C (p.Gly451Ala)

Gene: COL11A1 (collagen type XI alpha 1 chain; minus strand). Cytogenetic location: 1p21.1.
Variant type: single nucleotide variant.
Coding change: c.1352G>C on transcript NM_001854.4 (MANE Select); coding-DNA position 1352, G replaced by C.
Protein change: p.Gly451Ala; replaces glycine 451 with alanine.
Molecular consequence: missense variant. On other transcripts: non-coding transcript variant (1).
Genome position (GRCh38, 1-based): chr1:103,017,881, C>G on the plus strand (G>C on the coding strand, the complement: COL11A1 is on the minus strand). VCF-style: chr1-103017881-C-G. GRCh37 (hg19) VCF-style: chr1-103483437-C-G.
Other names: c.1235G>C, p.Gly412Ala (NM_001190709.2); c.1388G>C, p.Gly463Ala (NM_080629.3); c.1004G>C, p.Gly335Ala (NM_080630.4); short protein forms G463A, G335A, G412A, G451A.
Identifiers: ClinVar variation 4728124 (VCV004728124.1).
Genomic context (GRCh38, chr1:103,017,881, plus strand): 5'-CTATCGCCAGGGTCACCAGGGGGTCCAGTGGGGCCTTGTAGACCTGGAGGACCCATAATA[C>G]CCTATAGAGAAACACACCATATCTTAATCAGATTCCTAATCTCATTAATATTTAGATGAA-3'
Protein context (NP_001845.3, residues 441-461): EGPPGPAGPA[Gly451Ala]IMGPPGLQGP